The following is an entry in ClinVar:

NM_000275.3(OCA2):c.106C>T (p.Arg36Cys)

Gene: OCA2 (OCA2 melanosomal transmembrane protein; minus strand). Cytogenetic location: 15q13.1.
Variant type: single nucleotide variant.
Coding change: c.106C>T on transcript NM_000275.3 (MANE Select); coding-DNA position 106, C replaced by T.
Protein change: p.Arg36Cys; replaces arginine 36 with cysteine.
Molecular consequence: missense variant.
Genome position (GRCh38, 1-based): chr15:28,081,769, G>A on the plus strand (C>T on the coding strand, the complement: OCA2 is on the minus strand). VCF-style: chr15-28081769-G-A. GRCh37 (hg19) VCF-style: chr15-28326915-G-A.
Other names: c.106C>T, p.Arg36Cys (NM_001300984.2); short protein forms R36C.
Identifiers: ClinVar variation 887203 (VCV000887203.16), dbSNP rs148066812, ClinGen allele CA7439579.

ClinVar aggregate classification (germline): Conflicting classifications of pathogenicity. Review status: criteria provided, conflicting classifications (1 of 4 stars). 6 submissions from 6 submitters: Uncertain significance (5); Likely benign (1). Last evaluated 2025-08-30.

Conditions:
Tyrosinase-positive oculocutaneous albinism (OCA2). Also called: ALBINISM II; Albinism, oculocutaneous, type II; Oculocutaneous albinism type 2. Identifiers: Orphanet 79432, MedGen C0268495, MONDO:0008746, OMIM 203200.

Allele frequency attached by ClinVar (database versions not stated): ESP Exome Variant Server 0.00031; gnomAD exomes 0.00008; ExAC 0.00010; gnomAD 0.00019 and 0.00018; TOPMed 0.00015; 1000 Genomes Project 0.00020; 1000 Genomes Project 30x 0.00031.
gnomAD v4.1: 244 of 1,613,300 alleles (0.015%); highest among the groups gnomAD compares: Non-Finnish European, 0.019%; no homozygotes.

Submissions (6):

Labcorp Genetics (formerly Invitae), Labcorp
Classification: Likely benign. Last evaluated: 2025-08-30. Review status: criteria provided, single submitter. Criteria: Invitae Variant Classification Sherloc (09022015). Collection method: clinical testing. Allele origin: germline.

Blueprint Genetics
Classification: Uncertain significance. Last evaluated: 2024-11-25. Review status: criteria provided, single submitter. Criteria: ACMG Guidelines, 2015. Collection method: clinical testing. Allele origin: germline.

Department of Pathology and Laboratory Medicine, Sinai Health System
Classification: Uncertain significance for Tyrosinase-positive oculocutaneous albinism. Last evaluated: 2022-06-03. Review status: criteria provided, single submitter. Criteria: ACMG Guidelines, 2015. Collection method: research. Allele origin: germline.

Genome-Nilou Lab
Classification: Uncertain significance for Tyrosinase-positive oculocutaneous albinism. Last evaluated: 2021-11-07. Review status: criteria provided, single submitter. Criteria: ACMG Guidelines, 2015. Collection method: clinical testing. Allele origin: germline. Affected: no.

GeneDx
Classification: Uncertain significance. Last evaluated: 2019-06-20. Review status: criteria provided, single submitter. Criteria: GeneDx Variant Classification Process June 2021. Collection method: clinical testing. Allele origin: germline. Affected: yes.
Comment: In silico analysis, which includes protein predictors and evolutionary conservation, supports that this variant does not alter protein structure/function; Has not been previously published as pathogenic or benign to our knowledge; This variant is associated with the following publications: (PMID: 23824587)

Illumina Laboratory Services, Illumina
Classification: Uncertain significance for Tyrosinase-positive oculocutaneous albinism. Last evaluated: 2017-04-28. Review status: criteria provided, single submitter. Criteria: ICSL Variant Classification Criteria 13 December 2019. Collection method: clinical testing. Allele origin: germline.